The following is an entry in ClinVar:

ClinVar aggregate classification (germline): Uncertain significance. Review status: criteria provided, multiple submitters, no conflicts (2 of 4 stars). 2 submissions from 2 submitters: Uncertain significance (2). Last evaluated 2023-11-24.

Allele frequency attached by ClinVar (database versions not stated): gnomAD 0.00001; gnomAD exomes 0.00001; TOPMed 0.00002.
gnomAD v4.1: 16 of 1,614,086 alleles (0.00099%); highest among the groups gnomAD compares: East Asian, 0.0022%; no homozygotes.

Submissions (2):

Labcorp Genetics (formerly Invitae), Labcorp
Classification: Uncertain significance. Last evaluated: 2023-11-24. Review status: criteria provided, single submitter. Criteria: Invitae Variant Classification Sherloc (09022015). Collection method: clinical testing. Allele origin: germline.
Comment: This sequence change replaces arginine, which is basic and polar, with histidine, which is basic and polar, at codon 828 of the SBF1 protein (p.Arg828His). This variant is not present in population databases (gnomAD no frequency). This variant has not been reported in the literature in individuals affected with SBF1-related conditions. ClinVar contains an entry for this variant (Variation ID: 1347832). Advanced modeling of protein sequence and biophysical properties (such as structural, functional, and spatial information, amino acid conservation, physicochemical variation, residue mobility, and thermodynamic stability) performed at Invitae indicates that this missense variant is expected to disrupt SBF1 protein function with a positive predictive value of 80%. In summary, the available evidence is currently insufficient to determine the role of this variant in disease. Therefore, it has been classified as a Variant of Uncertain Significance.

Ambry Genetics
Classification: Uncertain significance. Last evaluated: 2023-04-20. Review status: criteria provided, single submitter. Criteria: Ambry Variant Classification Scheme 2023. Collection method: clinical testing. Allele origin: germline.

NM_002972.4(SBF1):c.2483G>A (p.Arg828His)

Gene: SBF1 (SET binding factor 1; minus strand). Cytogenetic location: 22q13.33.
Variant type: single nucleotide variant.
Coding change: c.2483G>A on transcript NM_002972.4 (MANE Select); coding-DNA position 2483, G replaced by A.
Protein change: p.Arg828His; replaces arginine 828 with histidine.
Molecular consequence: missense variant.
Genome position (GRCh38, 1-based): chr22:50,462,033, C>T on the plus strand (G>A on the coding strand, the complement: SBF1 is on the minus strand). VCF-style: chr22-50462033-C-T. GRCh37 (hg19) VCF-style: chr22-50900462-C-T.
Other names: c.2486G>A, p.Arg829His (NM_001365819.1); c.2483G>A (NM_002972.2); short protein forms R828H, R829H.
Identifiers: ClinVar variation 1347832 (VCV001347832.7), dbSNP rs2067536565, ClinGen allele CA412209339.